The following is an entry in ClinVar:

ClinVar aggregate classification (germline): Pathogenic/Likely pathogenic. Review status: criteria provided, multiple submitters, no conflicts (2 of 4 stars). 3 submissions from 3 submitters: Pathogenic (2); Likely pathogenic (1). Last evaluated 2021-04-26.

Conditions:
X-linked agammaglobulinemia (XLA). Also called: Bruton's agammaglobulinemia; Agammaglobulinemia, Bruton tyrosine kinase; Agammaglobulinemia, BTK; BTK-deficiency; IMMUNODEFICIENCY 1; Bruton-type agammaglobulinemia. Identifiers: Orphanet 229717, Orphanet 47, MedGen C0221026, MONDO:0010421, OMIM 300755.
X-linked agammaglobulinemia with growth hormone deficiency (IGHD3). Also called: FLEISHER SYNDROME; HYPOGAMMAGLOBULINEMIA AND ISOLATED GROWTH HORMONE DEFICIENCY, X-LINKED; IGHD III; AGAMMAGLOBULINEMIA AND ISOLATED GROWTH HORMONE DEFICIENCY, X-LINKED; Isolated growth hormone deficiency type 3; Growth hormone deficiency with hypogammaglobulinemia. Identifiers: Orphanet 231692, Orphanet 631, MedGen C0472813, MONDO:0010615, OMIM 307200.

Submissions (3):

GeneDx
Classification: Pathogenic. Last evaluated: 2021-04-26. Review status: criteria provided, single submitter. Criteria: GeneDx Variant Classification Process June 2021. Collection method: clinical testing. Allele origin: germline. Affected: yes.
Comment: Frameshift variant predicted to result in protein truncation or nonsense mediated decay in a gene for which loss-of-function is a known mechanism of disease; Not observed in large population cohorts (Lek et al., 2016); Has not been previously published as pathogenic or benign to our knowledge

Women's Health and Genetics/Laboratory Corporation of America, LabCorp
Classification: Likely pathogenic for X-linked agammaglobulinemia. Last evaluated: 2019-10-14. Review status: criteria provided, single submitter. Criteria: LabCorp Variant Classification Summary - May 2015. Collection method: clinical testing. Allele origin: germline.
Comment: Variant summary: BTK c.806delT (p.Val269AlafsX8) results in a premature termination codon, predicted to cause a truncation of the encoded protein or absence of the protein due to nonsense mediated decay, which are commonly known mechanisms for disease. Truncations downstream of this position have been classified as pathogenic by our laboratory. The variant was absent in 182818 control chromosomes (gnomAD). To our knowledge, no occurrence of c.806delT in individuals affected with X-linked Agammaglobulinemia and no experimental evidence demonstrating an impact on protein function have been reported. No clinical diagnostic laboratories have submitted clinical-significance assessments for this variant to ClinVar after 2014. Based on the evidence outlined above, the variant was classified as likely pathogenic.

Labcorp Genetics (formerly Invitae), Labcorp
Classification: Pathogenic for X-linked agammaglobulinemia with growth hormone deficiency. Last evaluated: 2019-09-29. Review status: criteria provided, single submitter. Criteria: Invitae Variant Classification Sherloc (09022015). Collection method: clinical testing. Allele origin: germline.
Comment: This sequence change creates a premature translational stop signal (p.Val269Alafs*8) in the BTK gene. It is expected to result in an absent or disrupted protein product. This variant is not present in population databases (ExAC no frequency). This variant has not been reported in the literature in individuals with BTK-related conditions. Loss-of-function variants in BTK are known to be pathogenic (PMID: 15661032, 16862044, 19419768). For these reasons, this variant has been classified as Pathogenic.

Literature cited by the submitters: PubMed 15661032 (cited by Labcorp Genetics (formerly Invitae), Labcorp); PubMed 16862044 (cited by Labcorp Genetics (formerly Invitae), Labcorp); PubMed 19419768 (cited by Labcorp Genetics (formerly Invitae), Labcorp).

NM_000061.3(BTK):c.806del (p.Val269fs)

Gene: BTK (Bruton tyrosine kinase; minus strand). Cytogenetic location: Xq22.1.
Variant type: Deletion.
Coding change: c.806del on transcript NM_000061.3 (MANE Select); coding-DNA position 806, one base deleted (T; older notation c.806delT).
Protein change: p.Val269fs; shifts the reading frame from valine 269.
Molecular consequence: frameshift variant.
Genome position (GRCh38, 1-based): chrX:101,360,121, A deleted on the plus strand (T on the coding strand, the reverse complement: BTK is on the minus strand). VCF-style (leftmost placement, unchanged base first): chrX-101360120-GA-G. GRCh37 (hg19) VCF-style: chrX-100615108-GA-G.
Other names: c.806delT (NM_000061.2); c.908del, p.Val303fs (NM_001287344.2); c.806del, p.Val269fs (NM_001287345.2); short protein forms V269fs, V303fs.
Identifiers: ClinVar variation 928589 (VCV000928589.6), dbSNP rs1926614700, ClinGen allele CA1139667733.